The following is an entry in ClinVar:

NM_004453.4(ETFDH):c.1851G>A (p.Met617Ile)

Gene: ETFDH (electron transfer flavoprotein dehydrogenase; plus strand). Cytogenetic location: 4q32.1.
Variant type: single nucleotide variant.
Coding change: c.1851G>A on transcript NM_004453.4 (MANE Select); coding-DNA position 1851, G replaced by A.
Protein change: p.Met617Ile; replaces methionine 617 with isoleucine.
Molecular consequence: missense variant.
Genome position (GRCh38, 1-based): chr4:158,708,524, G>A. VCF-style: chr4-158708524-G-A. GRCh37 (hg19) VCF-style: chr4-159629676-G-A.
Other names: c.1710G>A, p.Met570Ile (NM_001281737.2); c.1668G>A, p.Met556Ile (NM_001281738.1); short protein forms M556I, M570I, M617I.
Identifiers: ClinVar variation 4536637 (VCV004536637.1).

ClinVar aggregate classification (germline): Uncertain significance (1 of 4 stars; one submission).

Submission:

Women's Health and Genetics/Laboratory Corporation of America, LabCorp
Classification: Uncertain significance. Last evaluated: 2025-11-17. Review status: criteria provided, single submitter. Criteria: LabCorp Variant Classification Summary - May 2015. Collection method: clinical testing. Allele origin: germline.
Comment: Variant summary: ETFDH c.1851G>A (p.Met617Ile) results in a conservative amino acid change in the encoded protein sequence. Algorithms developed to predict the effect of missense changes on protein structure and function are either unavailable or do not agree on the potential impact of this missense change. The variant allele was found at a frequency of 8e-06 in 251378 control chromosomes. c.1851G>A has been observed in individual(s) affected with Glutaric Aciduria, Type 2c (Li_2022). These data indicate that the variant may be associated with disease. To our knowledge, no experimental evidence demonstrating an impact on protein function has been reported. The following publication have been ascertained in the context of this evaluation (PMID: 36162333). No submitters have cited clinical-significance assessments for this variant to ClinVar. Based on the evidence outlined above, the variant was classified as VUS-possibly pathogenic.

Literature cited by the submitters: PubMed 36162333.